The following is an entry in ClinVar:

ClinVar aggregate classification (germline): Uncertain significance (0 of 4 stars; one submission).

Conditions:
NBAS-related disorder. Also called: NBAS-related condition.

Submission:

PreventionGenetics, part of Exact Sciences
Classification: Uncertain significance for NBAS-related condition. Last evaluated: 2024-06-19. Review status: no assertion criteria provided. Collection method: clinical testing. Allele origin: germline.
Comment: The NBAS c.6109G>A variant is predicted to result in the amino acid substitution p.Val2037Met. To our knowledge, this variant has not been reported in the literature or in a large population database, indicating this variant is rare. At this time, the clinical significance of this variant is uncertain due to the absence of conclusive functional and genetic evidence.

NM_015909.4(NBAS):c.6109G>A (p.Val2037Met)

Gene: NBAS (NBAS subunit of NRZ tethering complex; minus strand). Cytogenetic location: 2p24.3.
Variant type: single nucleotide variant.
Coding change: c.6109G>A on transcript NM_015909.4 (MANE Select); coding-DNA position 6109, G replaced by A.
Protein change: p.Val2037Met; replaces valine 2037 with methionine.
Molecular consequence: missense variant. On other transcripts: non-coding transcript variant (1).
Genome position (GRCh38, 1-based): chr2:15,234,582, C>T on the plus strand (G>A on the coding strand, the complement: NBAS is on the minus strand). VCF-style: chr2-15234582-C-T. GRCh37 (hg19) VCF-style: chr2-15374706-C-T.
Other names: short protein forms V2037M.
Identifiers: ClinVar variation 3356020 (VCV003356020.1).